The following is an entry in ClinVar:

NM_000130.5(F5):c.3012del (p.Arg1005fs)

Gene: F5 (coagulation factor V; minus strand). Cytogenetic location: 1q24.2.
Variant type: Deletion.
Coding change: c.3012del on transcript NM_000130.5 (MANE Select); coding-DNA position 3012, one base deleted (T; older notation c.3012delT).
Protein change: p.Arg1005fs; shifts the reading frame from arginine 1005.
Molecular consequence: frameshift variant.
Genome position (GRCh38, 1-based): chr1:169,542,078, A deleted on the plus strand (T on the coding strand, the reverse complement: F5 is on the minus strand); the first of 2 consecutive A bases (chr1:169,542,078-169,542,079); deleting either gives the same sequence. VCF-style (leftmost placement, unchanged base first): chr1-169542077-TA-T. GRCh37 (hg19) VCF-style: chr1-169511315-TA-T.
Other names: short protein forms R1005fs.
Identifiers: ClinVar variation 3666239 (VCV003666239.2).

ClinVar aggregate classification (germline): Pathogenic (1 of 4 stars; one submission).

Conditions:
Congenital factor V deficiency. Also called: LABILE FACTOR DEFICIENCY; OWREN PARAHEMOPHILIA; PARAHEMOPHILIA; Hereditary factor V deficiency disease. Identifiers: Orphanet 326, MedGen C0015499, MONDO:0009210, OMIM 227400.

Submission:

Labcorp Genetics (formerly Invitae), Labcorp
Classification: Pathogenic for Congenital factor V deficiency. Last evaluated: 2024-03-20. Review status: criteria provided, single submitter. Criteria: Invitae Variant Classification Sherloc (09022015). Collection method: clinical testing. Allele origin: germline.
Comment: This sequence change creates a premature translational stop signal (p.Arg1005Aspfs*7) in the F5 gene. It is expected to result in an absent or disrupted protein product. Loss-of-function variants in F5 are known to be pathogenic (PMID: 30924984). This variant is present in population databases (rs764308355, gnomAD 0.004%). This variant has not been reported in the literature in individuals affected with F5-related conditions. For these reasons, this variant has been classified as Pathogenic.

Literature cited by the submitters: PubMed 30924984.